The following is an entry in ClinVar:

NM_016604.4(KDM3B):c.3950del (p.Pro1317fs)

Gene: KDM3B (lysine demethylase 3B; plus strand). Cytogenetic location: 5q31.2.
Variant type: Deletion.
Coding change: c.3950del on transcript NM_016604.4 (MANE Select); coding-DNA position 3950, one base deleted (C; older notation c.3950delC).
Protein change: p.Pro1317fs; shifts the reading frame from proline 1317.
Molecular consequence: frameshift variant.
Genome position (GRCh38, 1-based): chr5:138,420,940, C deleted; the last of 5 consecutive C bases (chr5:138,420,936-138,420,940); deleting any one gives the same sequence. VCF-style (leftmost placement, unchanged base first): chr5-138420935-TC-T. GRCh37 (hg19) VCF-style: chr5-137756624-TC-T.
Other names: short protein forms P1317fs.
Identifiers: ClinVar variation 2630664 (VCV002630664.1), dbSNP rs1561792565, ClinGen allele CA645548284.

ClinVar aggregate classification (germline): Likely pathogenic (1 of 4 stars; one submission).

Conditions:
KDM3B-related disorder. Also called: KDM3B-related condition.

Submission:

PreventionGenetics, part of Exact Sciences
Classification: Likely pathogenic for KDM3B-related condition. Last evaluated: 2023-08-30. Review status: criteria provided, single submitter. Criteria: ACMG Guidelines, 2015. Collection method: clinical testing. Allele origin: germline.
Comment: The KDM3B c.3950delC variant is predicted to result in a frameshift and premature protein termination (p.Pro1317Argfs*10). To our knowledge, this variant has not been reported in the literature or in a large population database, indicating this variant is rare. Frameshift variants in KDM3B are expected to be pathogenic. This variant is interpreted as likely pathogenic.